The following is an entry in ClinVar:

ClinVar aggregate classification (germline): Likely pathogenic. Review status: criteria provided, multiple submitters, no conflicts (2 of 4 stars). 2 submissions from 2 submitters: Likely pathogenic (2). Last evaluated 2026-07-09.

Conditions:
Medium-chain acyl-coenzyme A dehydrogenase deficiency (ACADMD). Also called: ACADM DEFICIENCY; CARNITINE DEFICIENCY SECONDARY TO MEDIUM-CHAIN ACYL-CoA DEHYDROGENASE DEFICIENCY; MCADH DEFICIENCY; MCADD; Medium chain acyl-CoA dehydrogenase deficiency; MCAD Deficiency. Identifiers: Orphanet 42, MedGen C0220710, MONDO:0008721, OMIM 201450.
MCADD - Medium-chain acyl-CoA dehydrogenase deficiency – full ACADM sequencing newborn screening follow up.

gnomAD v4.1: 1 of 1,607,666 alleles (0.000062%); highest among the groups gnomAD compares: Non-Finnish European, 0.000085%; no homozygotes.

Submissions (2):

Genetics Laboratory, Great Ormond Street Hospital NHS Foundation Trust, North Thames Genomic Laboratory Hub
Classification: Likely pathogenic for MCADD - Medium-chain acyl-CoA dehydrogenase deficiency – full ACADM sequencing newborn screening follow up. Last evaluated: 2026-07-09. Review status: criteria provided, single submitter. Criteria: ACGS Best Practice Guidelines for Variant Classification in Rare Disease 2024 v1.2. Collection method: clinical testing. Allele origin: germline. Affected: yes.
Comment: PM2_moderate, PP3_supporting, PM3_supporting, PP4_moderate

Natera, Inc.
Classification: Likely pathogenic for Medium Chain Acyl-CoA Dehydrogenase Deficiency. Last evaluated: 2025-07-29. Review status: criteria provided, single submitter. Criteria: Natera Variant Classification Schema (03/2026). Collection method: clinical testing. Allele origin: germline.
Comment: The c.31-9T>A variant in ACADM is an intronic variant located outside the canonical splice sites. This variant is rare in the general population with a frequency below the threshold expected for the associated phenotype(s). This variant has been observed in one or more individuals affected with the associated recessive disease, as either homozygous or compound heterozygous with a second variant (PMID: 36840705). This variant has been identified in one or more affected individuals with a phenotype highly consistent with the associated gene (PMID: 36840705). Computational prediction algorithms indicate this variant is likely to affect gene or protein function. Given the available evidence, this variant is classified as Likely Pathogenic.

Literature cited by the submitters: PubMed 36840705 (cited by Natera, Inc.).

NM_000016.6(ACADM):c.31-9T>A

Gene: ACADM (acyl-CoA dehydrogenase medium chain; plus strand). Cytogenetic location: 1p31.1.
Variant type: single nucleotide variant.
Coding change: c.31-9T>A on transcript NM_000016.6 (MANE Select); 9 bases into the intron before coding-DNA position 31, T replaced by A.
Molecular consequence: intron variant. On other transcripts: missense variant (1).
Genome position (GRCh38, 1-based): chr1:75,728,392, T>A. VCF-style: chr1-75728392-T-A. GRCh37 (hg19) VCF-style: chr1-76194077-T-A.
Other names: c.34T>A, p.Ser12Thr (NM_001127328.3); c.31-9T>A (NM_001286043.2); c.10+3575T>A (NM_001286042.2); c.-268+3575T>A (NM_001286044.2); short protein forms S12T.
Identifiers: ClinVar variation 4818472 (VCV004818472.2).